The following is an entry in ClinVar:

NM_000264.5(PTCH1):c.2794del (p.Val932fs)

Gene: PTCH1 (patched 1; minus strand). Cytogenetic location: 9q22.32.
Variant type: Deletion.
Coding change: c.2794del on transcript NM_000264.5 (MANE Select); coding-DNA position 2794, one base deleted (G; older notation c.2794delG).
Protein change: p.Val932fs; shifts the reading frame from valine 932.
Molecular consequence: frameshift variant. On other transcripts: non-coding transcript variant (1).
Genome position (GRCh38, 1-based): chr9:95,459,693, C deleted on the plus strand (G on the coding strand, the reverse complement: PTCH1 is on the minus strand). VCF-style (leftmost placement, unchanged base first): chr9-95459692-AC-A. GRCh37 (hg19) VCF-style: chr9-98221974-AC-A.
Other names: c.2596del, p.Val866fs (NM_001083602.3); c.2791del, p.Val931fs (NM_001083603.3); c.2341del, p.Val781fs (NM_001083604.3, NM_001083605.3, NM_001083606.3 and 1 more transcripts); c.2638del, p.Val880fs (NM_001354918.2); short protein forms V781fs, V880fs, V931fs, V932fs, V866fs.
Identifiers: ClinVar variation 428852 (VCV000428852.5), dbSNP rs1131690997, ClinGen allele CA645369449.

ClinVar aggregate classification (germline): Pathogenic (1 of 4 stars; one submission).

Conditions:
Hereditary cancer-predisposing syndrome. Also called: Hereditary Cancer Syndrome; Neoplastic Syndromes, Hereditary; Hereditary neoplastic syndrome; Tumor predisposition. Identifiers: Orphanet 140162, MedGen C0027672, MeSH D009386, MONDO:0015356.

Submission:

Ambry Genetics
Classification: Pathogenic for Hereditary cancer-predisposing syndrome. Last evaluated: 2016-07-20. Review status: criteria provided, single submitter. Criteria: Ambry Variant Classification Scheme 2023. Collection method: clinical testing. Allele origin: germline.
Comment: The c.2794delG pathogenic mutation, located in coding exon 17 of the PTCH1 gene, results from a deletion of one nucleotide at nucleotide position 2794, causing a translational frameshift with a predicted alternate stop codon. This alteration is expected to result in loss of function by premature protein truncation or nonsense-mediated mRNA decay. As such, this alteration is interpreted as a disease-causing mutation.